The following is an entry in ClinVar:

NM_144585.4(SLC22A12):c.274C>T (p.Arg92Cys)

Gene: SLC22A12 (solute carrier family 22 member 12; plus strand). Cytogenetic location: 11q13.1.
Variant type: single nucleotide variant.
Coding change: c.274C>T on transcript NM_144585.4 (MANE Select); coding-DNA position 274, C replaced by T.
Protein change: p.Arg92Cys; replaces arginine 92 with cysteine.
Molecular consequence: missense variant. On other transcripts: 5 prime UTR variant (1).
Genome position (GRCh38, 1-based): chr11:64,591,830, C>T. VCF-style: chr11-64591830-C-T. GRCh37 (hg19) VCF-style: chr11-64359302-C-T.
Other names: c.274C>T, p.Arg92Cys (NM_001276326.2, NM_001276327.2); c.-235C>T (NM_153378.3); short protein forms R92C.
Identifiers: ClinVar variation 879685 (VCV000879685.8), dbSNP rs144328876, ClinGen allele CA6077016.

ClinVar aggregate classification (germline): Uncertain significance. Review status: criteria provided, multiple submitters, no conflicts (2 of 4 stars). 4 submissions from 4 submitters: Uncertain significance (4). Last evaluated 2024-06-11.

Conditions:
Dalmatian hypouricemia (RHUC1). Identifiers: MedGen C0473219, MONDO:0020728, OMIM 220150.

Allele frequency attached by ClinVar (database versions not stated): ESP Exome Variant Server 0.00015; gnomAD 0.00017 and 0.00019; gnomAD exomes 0.00020 and 0.00036; TOPMed 0.00020; ExAC 0.00021.

Submissions (4):

Fulgent Genetics
Classification: Uncertain significance for Dalmatian hypouricemia. Last evaluated: 2024-06-11. Review status: criteria provided, single submitter. Criteria: ACMG Guidelines, 2015. Collection method: clinical testing. Allele origin: germline.

GeneDx
Classification: Uncertain significance. Last evaluated: 2023-12-01. Review status: criteria provided, single submitter. Criteria: GeneDx Variant Classification Process June 2021. Collection method: clinical testing. Allele origin: germline. Affected: yes.
Comment: Published functional studies suggest that R92C significantly impairs SLC22A12 function (PMID: 26500098); In silico analysis supports that this missense variant has a deleterious effect on protein structure/function; This variant is associated with the following publications: (PMID: 34426522, 26500098, 31980526)

Labcorp Genetics (formerly Invitae), Labcorp
Classification: Uncertain significance. Last evaluated: 2022-04-30. Review status: criteria provided, single submitter. Criteria: Invitae Variant Classification Sherloc (09022015). Collection method: clinical testing. Allele origin: germline.
Comment: This sequence change replaces arginine, which is basic and polar, with cysteine, which is neutral and slightly polar, at codon 92 of the SLC22A12 protein (p.Arg92Cys). This variant is present in population databases (rs144328876, gnomAD 0.03%). This missense change has been observed in individual(s) with hypouricemia (PMID: 26500098). ClinVar contains an entry for this variant (Variation ID: 879685). Algorithms developed to predict the effect of missense changes on protein structure and function output the following: SIFT: "Deleterious"; PolyPhen-2: "Benign"; Align-GVGD: "Class C0". The cysteine amino acid residue is found in multiple mammalian species, which suggests that this missense change does not adversely affect protein function. Experimental studies have shown that this missense change affects SLC22A12 function (PMID: 26500098). In summary, the available evidence is currently insufficient to determine the role of this variant in disease. Therefore, it has been classified as a Variant of Uncertain Significance.

Illumina Laboratory Services, Illumina
Classification: Uncertain significance for Dalmatian hypouricemia. Last evaluated: 2017-04-27. Review status: criteria provided, single submitter. Criteria: ICSL Variant Classification Criteria 13 December 2019. Collection method: clinical testing. Allele origin: germline.
Comment: This variant was observed as part of a predisposition screen in an ostensibly healthy population. A literature search was performed for the gene, cDNA change, and amino acid change (where applicable). Publications were found based on this search. However, the evidence from the literature, in combination with allele frequency data from public databases where available, was not sufficient to rule this variant in or out of causing disease. Therefore, this variant is classified as a variant of unknown significance.

Literature cited by the submitters: PubMed 26500098 (cited by Labcorp Genetics (formerly Invitae), Labcorp); PubMed 16385546 (cited by Illumina Laboratory Services, Illumina).